The following is an entry in ClinVar:

ClinVar aggregate classification (germline): Uncertain significance (1 of 4 stars; one submission).

Conditions:
Hereditary spastic paraplegia 73. Also called: Spastic paraplegia 73, autosomal dominant. Identifiers: Orphanet 444099, MedGen C5568981, MONDO:0014568, OMIM 616282.

gnomAD v4.1: 60 of 1,613,848 alleles (0.0037%); highest among the groups gnomAD compares: Admixed American, 0.015%; no homozygotes.

Submission:

Labcorp Genetics (formerly Invitae), Labcorp
Classification: Uncertain significance for Hereditary spastic paraplegia 73. Last evaluated: 2025-12-29. Review status: criteria provided, single submitter. Criteria: Invitae Variant Classification Sherloc (09022015). Collection method: clinical testing. Allele origin: germline.
Comment: This sequence change replaces valine, which is neutral and non-polar, with methionine, which is neutral and non-polar, at codon 457 of the CPT1C protein (p.Val457Met). This variant is present in population databases (rs146072637, gnomAD 0.02%). This variant has not been reported in the literature in individuals affected with CPT1C-related conditions. ClinVar contains an entry for this variant (Variation ID: 3675575). Invitae Evidence Modeling of protein sequence and biophysical properties (such as structural, functional, and spatial information, amino acid conservation, physicochemical variation, residue mobility, and thermodynamic stability) indicates that this missense variant is not expected to disrupt CPT1C protein function with a negative predictive value of 80%. In summary, the available evidence is currently insufficient to determine the role of this variant in disease. Therefore, it has been classified as a Variant of Uncertain Significance.

NM_001199753.2(CPT1C):c.1402G>A (p.Val468Met)

Gene: CPT1C (carnitine palmitoyltransferase 1C; plus strand). Cytogenetic location: 19q13.33.
Variant type: single nucleotide variant.
Coding change: c.1402G>A on transcript NM_001199753.2 (MANE Select); coding-DNA position 1402, G replaced by A.
Protein change: p.Val468Met; replaces valine 468 with methionine.
Molecular consequence: missense variant. On other transcripts: non-coding transcript variant (1).
Genome position (GRCh38, 1-based): chr19:49,707,576, G>A. VCF-style: chr19-49707576-G-A. GRCh37 (hg19) VCF-style: chr19-50210833-G-A.
Other names: c.1369G>A, p.Val457Met (NM_001136052.3, NM_001378485.1, NM_001378487.1); c.1402G>A, p.Val468Met (NM_001199752.3, NM_001378483.1, NM_001378484.1 and 3 more transcripts); c.1468G>A, p.Val490Met (NM_001378482.1); short protein forms V468M, V457M, V490M.
Identifiers: ClinVar variation 3675575 (VCV003675575.2).